The following is an entry in ClinVar:

NM_000346.4(SOX9):c.971C>T (p.Thr324Ile)

Gene: SOX9 (SRY-box transcription factor 9; plus strand). Cytogenetic location: 17q24.3.
Variant type: single nucleotide variant.
Coding change: c.971C>T on transcript NM_000346.4 (MANE Select); coding-DNA position 971, C replaced by T.
Protein change: p.Thr324Ile; replaces threonine 324 with isoleucine.
Molecular consequence: missense variant.
Genome position (GRCh38, 1-based): chr17:72,123,828, C>T. VCF-style: chr17-72123828-C-T. GRCh37 (hg19) VCF-style: chr17-70119969-C-T.
Other names: short protein forms T324I.
Identifiers: ClinVar variation 2766079 (VCV002766079.3), dbSNP rs2143252925, ClinGen allele CA400867448.

ClinVar aggregate classification (germline): Uncertain significance (1 of 4 stars; one submission).

Conditions:
Camptomelic dysplasia (CMPD). Also called: CMPD1/SRA1; Campomelic Dysplasia. Identifiers: Orphanet 140, MedGen C1861922, MONDO:0007251, OMIM 114290.

Submission:

Labcorp Genetics (formerly Invitae), Labcorp
Classification: Uncertain significance for Camptomelic dysplasia. Last evaluated: 2023-10-06. Review status: criteria provided, single submitter. Criteria: Invitae Variant Classification Sherloc (09022015). Collection method: clinical testing. Allele origin: germline.
Comment: This sequence change replaces threonine, which is neutral and polar, with isoleucine, which is neutral and non-polar, at codon 324 of the SOX9 protein (p.Thr324Ile). This variant is not present in population databases (gnomAD no frequency). This variant has not been reported in the literature in individuals affected with SOX9-related conditions. Advanced modeling of protein sequence and biophysical properties (such as structural, functional, and spatial information, amino acid conservation, physicochemical variation, residue mobility, and thermodynamic stability) performed at Invitae indicates that this missense variant is not expected to disrupt SOX9 protein function. In summary, the available evidence is currently insufficient to determine the role of this variant in disease. Therefore, it has been classified as a Variant of Uncertain Significance.